The following is an entry in ClinVar:

NM_024105.4(ALG12):c.479C>T (p.Ala160Val)

Gene: ALG12 (ALG12 alpha-1,6-mannosyltransferase; minus strand). Cytogenetic location: 22q13.33.
Variant type: single nucleotide variant.
Coding change: c.479C>T on transcript NM_024105.4 (MANE Select); coding-DNA position 479, C replaced by T.
Protein change: p.Ala160Val; replaces alanine 160 with valine.
Molecular consequence: missense variant.
Genome position (GRCh38, 1-based): chr22:49,910,079, G>A on the plus strand (C>T on the coding strand, the complement: ALG12 is on the minus strand). VCF-style: chr22-49910079-G-A. GRCh37 (hg19) VCF-style: chr22-50303727-G-A.
Other names: short protein forms A160V.
Identifiers: ClinVar variation 1378136 (VCV001378136.5), dbSNP rs762826904, ClinGen allele CA10300584.

ClinVar aggregate classification (germline): Uncertain significance (1 of 4 stars; one submission).

Conditions:
ALG12-congenital disorder of glycosylation (CDG1G). Also called: CDG Ig; ALG12-CDG; Congenital disorder of glycosylation, type Ig. Identifiers: Orphanet 79324, MedGen C2931001, MONDO:0011783, OMIM 607143.

Allele frequency attached by ClinVar (database versions not stated): ExAC 0.00001; gnomAD exomes 0.00001 and 0.00004; gnomAD 0.00003 and 0.00004; TOPMed 0.00003.

Submission:

Labcorp Genetics (formerly Invitae), Labcorp
Classification: Uncertain significance for ALG12-congenital disorder of glycosylation. Last evaluated: 2022-05-12. Review status: criteria provided, single submitter. Criteria: Invitae Variant Classification Sherloc (09022015). Collection method: clinical testing. Allele origin: germline.
Comment: This sequence change replaces alanine, which is neutral and non-polar, with valine, which is neutral and non-polar, at codon 160 of the ALG12 protein (p.Ala160Val). This variant is present in population databases (rs762826904, gnomAD 0.003%). This variant has not been reported in the literature in individuals affected with ALG12-related conditions. Algorithms developed to predict the effect of missense changes on protein structure and function are either unavailable or do not agree on the potential impact of this missense change (SIFT: "Tolerated"; PolyPhen-2: "Possibly Damaging"; Align-GVGD: "Class C0"). In summary, the available evidence is currently insufficient to determine the role of this variant in disease. Therefore, it has been classified as a Variant of Uncertain Significance.